The following is an entry in ClinVar:

ClinVar aggregate classification (germline): Uncertain significance (1 of 4 stars; one submission).

Submission:

GeneDx
Classification: Uncertain significance. Last evaluated: 2025-04-24. Review status: criteria provided, single submitter. Criteria: GeneDx Variant Classification Process June 2021. Collection method: clinical testing. Allele origin: germline. Affected: yes.
Comment: Not observed at significant frequency in large population cohorts (gnomAD); Frameshift variant predicted to result in abnormal protein length as the last 67 amino acids are replaced with 41 different amino acids; Has not been previously published as pathogenic or benign to our knowledge

NM_004789.4(LHX2):c.976_1016dup (p.Ala340fs)

Gene: LHX2 (LIM homeobox 2; plus strand). Cytogenetic location: 9q33.3.
Variant type: Duplication.
Coding change: c.976_1016dup on transcript NM_004789.4 (MANE Select); coding-DNA positions 976 to 1016, 41 bases duplicated.
Protein change: p.Ala340fs; shifts the reading frame from alanine 340.
Molecular consequence: frameshift variant.
Genome position (GRCh38, 1-based): chr9:124,032,462-124,032,502, 41 bases duplicated; duplicating any 41 consecutive bases within chr9:124,032,461-124,032,502 gives the same sequence; the c. name uses the placement nearest the transcript's 3' end. GRCh37 (hg19): chr9:126,794,741-126,794,781.
Other names: short protein forms A340fs.
Identifiers: ClinVar variation 3373602 (VCV003373602.2).